The following is an entry in ClinVar:

NM_001393769.1(MED12L):c.4478G>A (p.Ser1493Asn)

Genes: MED12L (mediator complex subunit 12L; plus strand), P2RY12 (purinergic receptor P2Y12; minus strand). Cytogenetic location: 3q25.1.
Variant type: single nucleotide variant.
Coding change: c.4478G>A on transcript NM_001393769.1 (MANE Select); coding-DNA position 4478, G replaced by A.
Protein change: p.Ser1493Asn; replaces serine 1493 with asparagine.
Molecular consequence: missense variant. On other transcripts: intron variant (1).
Genome position (GRCh38, 1-based): chr3:151,378,173, G>A. VCF-style: chr3-151378173-G-A. GRCh37 (hg19) VCF-style: chr3-151095961-G-A.
Other names: c.4373G>A, p.Ser1458Asn (NM_053002.6); c.-180+6519C>T (NM_022788.5); short protein forms S1458N, S1493N.
Identifiers: ClinVar variation 5018885 (VCV005018885.2).

ClinVar aggregate classification (germline): Uncertain significance (1 of 4 stars; one submission).

Conditions:
Nizon-Isidor syndrome. Identifiers: MedGen C5394350, MONDO:0030030, OMIM 618872.

Submission:

Juno Genomics, Hangzhou Juno Genomics, Inc
Classification: Uncertain significance for Nizon-Isidor syndrome. Review status: criteria provided, single submitter. Criteria: ACMG Guidelines, 2015. Collection method: clinical testing. Allele origin: germline.
Comment: Absent from controls (or at extremely low frequency if recessive) in Genome Aggregation Database.;Missense variant in a gene that has a low rate of benign missense variation.